The following is an entry in ClinVar:

ClinVar aggregate classification (germline): Conflicting classifications of pathogenicity. Review status: criteria provided, conflicting classifications (1 of 4 stars). 3 submissions from 3 submitters: Pathogenic (1); Likely pathogenic (1); Uncertain significance (1). Last evaluated 2025-06-12.

Allele frequency attached by ClinVar (database versions not stated): TOPMed 0.00001.
gnomAD v4.1: 48 of 1,613,924 alleles (0.003%); highest among the groups gnomAD compares: Non-Finnish European, 0.0039%; no homozygotes.

Submissions (3):

Labcorp Genetics (formerly Invitae), Labcorp
Classification: Likely pathogenic. Last evaluated: 2025-06-12. Review status: criteria provided, single submitter. Criteria: Invitae Variant Classification Sherloc (09022015). Collection method: clinical testing. Allele origin: germline.
Comment: This sequence change replaces proline, which is neutral and non-polar, with leucine, which is neutral and non-polar, at codon 602 of the COQ8A protein (p.Pro602Leu). This variant is present in population databases (rs61995958, gnomAD 0.005%). This missense change has been observed in individual(s) with COQ8A-related conditions (PMID: 30548255). ClinVar contains an entry for this variant (Variation ID: 872624). Invitae Evidence Modeling of protein sequence and biophysical properties (such as structural, functional, and spatial information, amino acid conservation, physicochemical variation, residue mobility, and thermodynamic stability) indicates that this missense variant is expected to disrupt COQ8A protein function with a positive predictive value of 80%. This variant disrupts the p.Pro602 amino acid residue in COQ8A. Other variant(s) that disrupt this residue have been determined to be pathogenic (PMID: 24048965). This suggests that this residue is clinically significant, and that variants that disrupt this residue are likely to be disease-causing. In summary, the currently available evidence indicates that the variant is pathogenic, but additional data are needed to prove that conclusively. Therefore, this variant has been classified as Likely Pathogenic.

Athena Diagnostics
Classification: Uncertain significance. Last evaluated: 2022-09-26. Review status: criteria provided, single submitter. Criteria: Athena Diagnostics Criteria. Collection method: clinical testing. Allele origin: unknown.
Comment: Available data are insufficient to determine the clinical significance of the variant at this time. The frequency of this variant in the general population is uninformative in assessment of its pathogenicity. This variant has been identified in at least one individual with clinical features associated with this gene. Computational tools predict that this variant is damaging.

CeGaT Center for Human Genetics Tuebingen
Classification: Pathogenic. Last evaluated: 2017-10-01. Review status: criteria provided, single submitter. Criteria: CeGaT Center For Human Genetics Tuebingen Variant Classification Criteria Version 2. Collection method: clinical testing. Allele origin: germline. Affected: yes. Observed: 1 variant allele.

Literature cited by the submitters: PubMed 30548255 (cited by Labcorp Genetics (formerly Invitae), Labcorp and Athena Diagnostics); PubMed 24048965 (cited by Labcorp Genetics (formerly Invitae), Labcorp); PubMed 32958805 (cited by Athena Diagnostics).

NM_020247.5(COQ8A):c.1805C>T (p.Pro602Leu)

Gene: COQ8A (coenzyme Q8A; plus strand). Cytogenetic location: 1q42.13.
Variant type: single nucleotide variant.
Coding change: c.1805C>T on transcript NM_020247.5 (MANE Select); coding-DNA position 1805, C replaced by T.
Protein change: p.Pro602Leu; replaces proline 602 with leucine.
Molecular consequence: missense variant.
Genome position (GRCh38, 1-based): chr1:226,986,598, C>T. VCF-style: chr1-226986598-C-T. GRCh37 (hg19) VCF-style: chr1-227174299-C-T.
Other names: c.1805C>T (NM_020247.4); short protein forms P602L.
Identifiers: ClinVar variation 872624 (VCV000872624.47), dbSNP rs61995958, ClinGen allele CA1425676.
Genomic context (GRCh38, chr1:226,986,598, plus strand): 5'-GCACCACCGAGAAGATCCACAACCTGATTCCCGTCATGCTGAGGCACCGTCTCGTCCCCC[C>T]ACCCGAGGAAACCTACTCCCTGCACAGGAAGATGGGGGGCTCCTTCCTCATCTGCTCCAA-3'
Protein context (NP_064632.2, residues 592-612): PVMLRHRLVP[Pro602Leu]PEETYSLHRK